The following is an entry in ClinVar:

NM_020949.3(SLC7A14):c.1675G>A (p.Ala559Thr)

Genes: SLC7A14 (solute carrier family 7 member 14; minus strand), SLC7A14-AS1 (SLC7A14 antisense RNA 1; plus strand). Cytogenetic location: 3q26.2.
Variant type: single nucleotide variant.
Coding change: c.1675G>A on transcript NM_020949.3 (MANE Select); coding-DNA position 1675, G replaced by A.
Protein change: p.Ala559Thr; replaces alanine 559 with threonine.
Molecular consequence: missense variant.
Genome position (GRCh38, 1-based): chr3:170,480,607, C>T on the plus strand (G>A on the coding strand, the complement: SLC7A14 is on the minus strand). VCF-style: chr3-170480607-C-T. GRCh37 (hg19) VCF-style: chr3-170198396-C-T.
Other names: short protein forms A559T.
Identifiers: ClinVar variation 1516132 (VCV001516132.6), dbSNP rs754870768, ClinGen allele CA2701586.
Genomic context (GRCh38, chr3:170,480,607, plus strand): 5'-AGATGAACATGAGGATGAAGAGCAGGAGCACGCAGATGGTCACCGTGTGCCCCGTCGCTG[C>T]TGTGGGCCGGTCCATTTTGCCTGGAAGGCCCAGCCGGATTCTCATGGTGTAATAATGAGG-3'
Protein context (NP_066000.2, residues 549-569): GLPGKMDRPT[Ala559Thr]ATGHTVTICV

ClinVar aggregate classification (germline): Uncertain significance (1 of 4 stars; one submission).

Allele frequency attached by ClinVar (database versions not stated): ExAC 0.00001; gnomAD exomes 0.00001.
gnomAD v4.1: 14 of 1,614,250 alleles (0.00087%); highest among the groups gnomAD compares: Non-Finnish European, 0.0012%; no homozygotes.

Submission:

Labcorp Genetics (formerly Invitae), Labcorp
Classification: Uncertain significance. Last evaluated: 2024-12-28. Review status: criteria provided, single submitter. Criteria: Invitae Variant Classification Sherloc (09022015). Collection method: clinical testing. Allele origin: germline.
Comment: This sequence change replaces alanine, which is neutral and non-polar, with threonine, which is neutral and polar, at codon 559 of the SLC7A14 protein (p.Ala559Thr). This variant is present in population databases (rs754870768, gnomAD 0.002%). This variant has not been reported in the literature in individuals affected with SLC7A14-related conditions. ClinVar contains an entry for this variant (Variation ID: 1516132). An algorithm developed to predict the effect of missense changes on protein structure and function (PolyPhen-2) suggests that this variant is likely to be tolerated. In summary, the available evidence is currently insufficient to determine the role of this variant in disease. Therefore, it has been classified as a Variant of Uncertain Significance.